The following is an entry in ClinVar:

ClinVar aggregate classification (germline): Uncertain significance (1 of 4 stars; one submission).

Submission:

GeneDx
Classification: Uncertain significance. Last evaluated: 2026-01-31. Review status: criteria provided, single submitter. Criteria: GeneDx Variant Classification Process June 2021. Collection method: clinical testing. Allele origin: germline.
Comment: Not observed at significant frequency in large population cohorts (gnomAD); In-frame insertion of 1 amino acid(s) in a non-repeat region; Has not been previously published as pathogenic or benign to our knowledge

NM_016333.4(SRRM2):c.1687_1688insGAC (p.Ser562_His563insArg)

Gene: SRRM2 (serine/arginine repetitive matrix 2; plus strand). Cytogenetic location: 16p13.3.
Variant type: Insertion.
Coding change: c.1687_1688insGAC on transcript NM_016333.4 (MANE Select); coding-DNA positions 1687 to 1688, GAC inserted.
Protein change: p.Ser562_His563insArg.
Molecular consequence: inframe insertion.
Genome position: GRCh38 VCF-style: chr16-2762214-C-CCGA. GRCh37 (hg19) VCF-style: chr16-2812215-C-CCGA.
Identifiers: ClinVar variation 3776479 (VCV003776479.2).